The following is an entry in ClinVar:

NM_024649.5(BBS1):c.1413C>T (p.Leu471=)

Genes: BBS1 (Bardet-Biedl syndrome 1; plus strand), ZDHHC24 (zDHHC palmitoyltransferase 24; minus strand). Cytogenetic location: 11q13.2.
Variant type: single nucleotide variant.
Coding change: c.1413C>T on transcript NM_024649.5 (MANE Select); coding-DNA position 1413, C replaced by T.
Protein change: p.Leu471=; no amino-acid change (leucine 471 retained).
Molecular consequence: synonymous variant. On other transcripts: intron variant (1).
Genome position (GRCh38, 1-based): chr11:66,529,892, C>T. VCF-style: chr11-66529892-C-T. GRCh37 (hg19) VCF-style: chr11-66297363-C-T.
Other names: p.Leu471=; c.560-404G>A (NM_001348571.2).
Identifiers: ClinVar variation 261747 (VCV000261747.29), dbSNP rs3816492, ClinGen allele CA6123761.
Genomic context (GRCh38, chr11:66,529,892, plus strand): 5'-CTTCCAGACAGACCTATACCTGCTGCGCCTACGTGCTGCCCGCGCCTACCTGCAGGCCCT[C>T]GAGTCCAGCCTGAGCCCCCTGTCCACGACAGCCCGAGAGCCACTCAAGCTGCACGCCGTG-3'
Protein context (NP_078925.3, residues 461-481): LRAARAYLQA[Leu471=]ESSLSPLSTT

ClinVar aggregate classification (germline): Benign. Review status: criteria provided, multiple submitters, no conflicts (2 of 4 stars). 14 submissions from 14 submitters: Benign (11). 3 of the submissions do not count toward it. Last evaluated 2026-02-04.

Conditions:
Retinal dystrophy. Also called: Inherited retinal dystrophy. Identifiers: Orphanet 71862, MedGen C0854723, MeSH D058499, MONDO:0019118, HP:0000556.
Bardet-Biedl syndrome 1 (BBS1). Identifiers: MedGen C2936862, MONDO:0008854, OMIM 209900. Disease mechanism: loss of function.
Bardet-Biedl syndrome (BBS). Identifiers: Orphanet 110, MedGen C0752166, MONDO:0015229.

Allele frequency attached by ClinVar (database versions not stated): 1000 Genomes Project 30x 0.14132; gnomAD 0.17957 and 0.18026; TOPMed 0.15535; 1000 Genomes Project 0.14337; ESP Exome Variant Server 0.16851.
gnomAD v4.1: 359,763 of 1,607,944 alleles (22%); highest among the groups gnomAD compares: Non-Finnish European, 24%; 43,430 homozygotes.

Submissions (14):

Labcorp Genetics (formerly Invitae), Labcorp
Classification: Benign for Bardet-Biedl syndrome. Last evaluated: 2026-02-04. Review status: criteria provided, single submitter. Criteria: Invitae Variant Classification Sherloc (09022015). Collection method: clinical testing. Allele origin: germline.

Blueprint Genetics
Classification: Benign. Last evaluated: 2024-11-27. Review status: criteria provided, single submitter. Criteria: ACMG Guidelines, 2015. Collection method: clinical testing. Allele origin: germline.

Dept Of Ophthalmology, Nagoya University
Classification: Benign for Retinal dystrophy. Last evaluated: 2023-10-01. Review status: criteria provided, single submitter. Criteria: Submitter's publication. Collection method: research. Allele origin: germline. Affected: yes.

Mayo Clinic Laboratories, Mayo Clinic
Classification: Benign. Last evaluated: 2022-03-09. Review status: criteria provided, single submitter. Criteria: ACMG Guidelines, 2015. Collection method: clinical testing. Allele origin: germline. Observed: 27 variant alleles.

Genome-Nilou Lab
Classification: Benign for Bardet-Biedl syndrome 1. Last evaluated: 2021-07-10. Review status: criteria provided, single submitter. Criteria: ACMG Guidelines, 2015. Collection method: clinical testing. Allele origin: germline. Affected: no.

GeneDx
Classification: Benign. Last evaluated: 2020-09-15. Review status: criteria provided, single submitter. Criteria: GeneDx Variant Classification Process June 2021. Collection method: clinical testing. Allele origin: germline. Affected: yes.

Illumina Laboratory Services, Illumina
Classification: Benign for Bardet-Biedl syndrome 1. Last evaluated: 2018-01-13. Review status: criteria provided, single submitter. Criteria: ICSL Variant Classification Criteria 13 December 2019. Collection method: clinical testing. Allele origin: germline.
Comment: This variant was observed in the ICSL laboratory as part of a predisposition screen in an ostensibly healthy population. It had not been previously curated by ICSL or reported in the Human Gene Mutation Database (HGMD: prior to June 1st, 2018), and was therefore a candidate for classification through an automated scoring system. Utilizing variant allele frequency, disease prevalence and penetrance estimates, and inheritance mode, an automated score was calculated to assess if this variant is too frequent to cause the disease. Based on the score and internal cut-off values, a variant classified as benign is not then subjected to further curation. The score for this variant resulted in a classification of benign for this disease.

Athena Diagnostics
Classification: Benign for Bardet-Biedl syndrome 1. Last evaluated: 2017-06-02. Review status: criteria provided, single submitter. Criteria: Athena Diagnostics Criteria. Collection method: clinical testing. Allele origin: germline.

Women's Health and Genetics/Laboratory Corporation of America, LabCorp
Classification: Benign. Last evaluated: 2016-11-18. Review status: criteria provided, single submitter. Criteria: LabCorp Variant Classification Summary - May 2015. Collection method: clinical testing. Allele origin: germline.
Comment: Variant summary: The BBS1 c.1413C>T (p.Leu471Leu) variant involves the alteration of a non-conserved nucleotide, resulting in a synonymous change. Mutation taster predicts a polymorphism outcome for this variant along with 5/5 splice prediction tools predicting the variant not to have an impact on normal splicing. This variant was found in 24241/116022 control chromosomes (2812 homozygotes) at a frequency of 0.2089345, which greatly exceeds the estimated maximal expected allele frequency of a pathogenic BBS1 variant (0.0009449), suggesting this variant is likely a benign polymorphism. A clinical diagnostic laboratory ant at least one publication classified this variant as benign. Taken together, this variant is classified as benign.

Breakthrough Genomics
Classification: Benign. Review status: criteria provided, single submitter. Criteria: ACMG Guidelines, 2015. Collection method: not provided. Allele origin: germline. Inheritance: Autosomal recessive inheritance. Affected: yes.

PreventionGenetics, part of Exact Sciences
Classification: Benign. Review status: criteria provided, single submitter. Criteria: ACMG Guidelines, 2015. Collection method: clinical testing. Allele origin: germline.

Natera, Inc.
Classification: Benign for Bardet-Biedl syndrome type 1. Last evaluated: 2020-09-16. Review status: no assertion criteria provided. Collection method: clinical testing. Allele origin: germline. Not counted in ClinVar's aggregate classification.

Clinical Genetics DNA and cytogenetics Diagnostics Lab, Erasmus MC, Erasmus Medical Center
Classification: Benign. Review status: no assertion criteria provided. Collection method: clinical testing. Allele origin: germline. Affected: yes. Study: VKGL Data-share Consensus. Not counted in ClinVar's aggregate classification.

Joint Genome Diagnostic Labs from Nijmegen and Maastricht, Radboudumc and MUMC+
Classification: Benign. Review status: no assertion criteria provided. Collection method: clinical testing. Allele origin: germline. Affected: yes. Study: VKGL Data-share Consensus. Not counted in ClinVar's aggregate classification.

Literature cited by the submitters: PubMed 17003356 (cited by Women's Health and Genetics/Laboratory Corporation of America, LabCorp).